The following is an entry in ClinVar:

NM_002180.3(IGHMBP2):c.2976G>A (p.Gly992=)

Gene: IGHMBP2 (immunoglobulin mu DNA binding protein 2; plus strand). Cytogenetic location: 11q13.3.
Variant type: single nucleotide variant.
Coding change: c.2976G>A on transcript NM_002180.3 (MANE Select); coding-DNA position 2976, G replaced by A.
Protein change: p.Gly992=; no amino-acid change (glycine 992 retained).
Molecular consequence: synonymous variant.
Genome position (GRCh38, 1-based): chr11:68,939,725, G>A. VCF-style: chr11-68939725-G-A. GRCh37 (hg19) VCF-style: chr11-68707193-G-A.
Identifiers: ClinVar variation 534944 (VCV000534944.38), dbSNP rs755792559, ClinGen allele CA6154073.

ClinVar aggregate classification (germline): Likely benign. Review status: criteria provided, multiple submitters, no conflicts (2 of 4 stars). 4 submissions from 4 submitters: Likely benign (4). Last evaluated 2026-01-06.

Conditions:
IGHMBP2-related disorder. Also called: IGHMBP2-related condition; IGHMBP2-related disorders.
Inborn genetic diseases. Identifiers: MedGen C0950123, MeSH D030342.
Autosomal recessive distal spinal muscular atrophy 1. Also called: HMN VI; NEURONOPATHY, SEVERE INFANTILE AXONAL, WITH RESPIRATORY FAILURE; SEVERE INFANTILE AXONAL NEUROPATHY WITH RESPIRATORY FAILURE; SPINAL MUSCULAR ATROPHY, DIAPHRAGMATIC; Spinal muscular atrophy with respiratory distress 1; NEURONOPATHY, DISTAL HEREDITARY MOTOR, HARDING TYPE VI. Identifiers: Orphanet 98920, MedGen C1858517, MONDO:0011436, OMIM 604320.
Charcot-Marie-Tooth disease axonal type 2S. Also called: CHARCOT-MARIE-TOOTH NEUROPATHY, TYPE 2S; CHARCOT-MARIE-TOOTH DISEASE, AXONAL, AUTOSOMAL RECESSIVE, TYPE 2S. Identifiers: Orphanet 443073, MedGen C4015349, MONDO:0014511, OMIM 616155.

Allele frequency attached by ClinVar (database versions not stated): gnomAD 0.00009 and 0.00010; TOPMed 0.00011; gnomAD exomes 0.00014; ExAC 0.00021.
gnomAD v4.1: 187 of 1,608,472 alleles (0.012%); highest among the groups gnomAD compares: Non-Finnish European, 0.015%; no homozygotes.

Submissions (4):

Labcorp Genetics (formerly Invitae), Labcorp
Classification: Likely benign for Autosomal recessive distal spinal muscular atrophy 1; Charcot-Marie-Tooth disease axonal type 2S. Last evaluated: 2026-01-06. Review status: criteria provided, single submitter. Criteria: Invitae Variant Classification Sherloc (09022015). Collection method: clinical testing. Allele origin: germline.

PreventionGenetics, part of Exact Sciences
Classification: Likely benign for IGHMBP2-related condition. Last evaluated: 2025-08-19. Review status: criteria provided, single submitter. Criteria: ACMG Guidelines, 2015. Collection method: clinical testing. Allele origin: germline.
Comment: This variant is classified as likely benign based on ACMG/AMP sequence variant interpretation guidelines (Richards et al. 2015 PMID: 25741868, with internal and published modifications).

CeGaT Center for Human Genetics Tuebingen
Classification: Likely benign. Last evaluated: 2023-09-01. Review status: criteria provided, single submitter. Criteria: CeGaT Center For Human Genetics Tuebingen Variant Classification Criteria Version 2. Collection method: clinical testing. Allele origin: germline. Affected: yes. Observed: 2 variant alleles.
Comment: IGHMBP2: BP4, BP7

Ambry Genetics
Classification: Likely benign for Inborn genetic diseases. Last evaluated: 2019-07-11. Review status: criteria provided, single submitter. Criteria: Ambry Variant Classification Scheme 2023. Collection method: clinical testing. Allele origin: germline.